The following is an entry in ClinVar:

ClinVar aggregate classification (germline): Likely pathogenic. Review status: criteria provided, multiple submitters, no conflicts (2 of 4 stars). 2 submissions from 2 submitters: Likely pathogenic (2). Last evaluated 2025-10-22.

Conditions:
MTR-related disorder. Also called: MTR-related condition.
Methylcobalamin deficiency type cblG (HMAG). Also called: HOMOCYSTINURIA-MEGALOBLASTIC ANEMIA, cblG TYPE; HOMOCYSTINURIA-MEGALOBLASTIC ANEMIA, cblG COMPLEMENTATION TYPE; Functional methionine synthase deficiency type cblG; HOMOCYSTINURIA-MEGALOBLASTIC ANEMIA DUE TO DEFECT IN COBALAMIN METABOLISM, cblG COMPLEMENTATION TYPE. Identifiers: Orphanet 2170, Orphanet 622, MedGen C1855128, MONDO:0009609, OMIM 250940.
Neural tube defects, folate-sensitive (NTDFS). Also called: NTD, FOLATE-SENSITIVE. Identifiers: Orphanet 823, MedGen C1866558, MONDO:0011120, OMIM 601634.

gnomAD v4.1: 2 of 1,614,050 alleles (0.00012%); highest among the groups gnomAD compares: South Asian, 0.0011%; no homozygotes.

Submissions (2):

PreventionGenetics, part of Exact Sciences
Classification: Likely pathogenic for MTR-related condition. Last evaluated: 2025-10-22. Review status: criteria provided, single submitter. Criteria: ACMG Guidelines, 2015. Collection method: clinical testing. Allele origin: germline.
Comment: The MTR c.1513C>T variant is predicted to result in premature protein termination (p.Gln505*). To our knowledge, this variant has not been reported in the literature, or in a large population database (gnomAD), indicating this variant is rare. Nonsense variants in MTR are expected to be pathogenic. This variant is interpreted as likely pathogenic.

Fulgent Genetics
Classification: Likely pathogenic for Methylcobalamin deficiency type cblG; Neural tube defects, folate-sensitive. Last evaluated: 2024-06-23. Review status: criteria provided, single submitter. Criteria: ACMG Guidelines, 2015. Collection method: clinical testing. Allele origin: germline.

NM_000254.3(MTR):c.1513C>T (p.Gln505Ter)

Gene: MTR (5-methyltetrahydrofolate-homocysteine methyltransferase; plus strand). Cytogenetic location: 1q43.
Variant type: single nucleotide variant.
Coding change: c.1513C>T on transcript NM_000254.3 (MANE Select); coding-DNA position 1513, C replaced by T.
Protein change: p.Gln505Ter; replaces glutamine 505 with a stop codon.
Molecular consequence: nonsense.
Genome position (GRCh38, 1-based): chr1:236,838,597, C>T. VCF-style: chr1-236838597-C-T. GRCh37 (hg19) VCF-style: chr1-237001897-C-T.
Other names: c.1513C>T (NM_000254.2); c.1513C>T, p.Gln505Ter (NM_001291939.1, NM_001410942.1); c.292C>T, p.Gln98Ter (NM_001291940.2); short protein forms Q98*, Q505*.
Identifiers: ClinVar variation 3581635 (VCV003581635.2).